The following is an entry in ClinVar:

ClinVar aggregate classification (germline): Uncertain significance (1 of 4 stars; one submission).

Allele frequency attached by ClinVar (database versions not stated): gnomAD exomes below 0.00001; ExAC 0.00001.

Submission:

Labcorp Genetics (formerly Invitae), Labcorp
Classification: Uncertain significance. Last evaluated: 2024-05-29. Review status: criteria provided, single submitter. Criteria: Invitae Variant Classification Sherloc (09022015). Collection method: clinical testing. Allele origin: germline.
Comment: This sequence change creates a premature translational stop signal (p.Lys374Valfs*9) in the IDH3B gene. While this is not anticipated to result in nonsense mediated decay, it is expected to disrupt the last 12 amino acid(s) of the IDH3B protein. This variant is present in population databases (rs757107227, gnomAD 0.006%). This variant has not been reported in the literature in individuals affected with IDH3B-related conditions. ClinVar contains an entry for this variant (Variation ID: 1916484). Experimental studies and prediction algorithms are not available or were not evaluated, and the functional significance of this variant is currently unknown. In summary, the available evidence is currently insufficient to determine the role of this variant in disease. Therefore, it has been classified as a Variant of Uncertain Significance.

NM_006899.5(IDH3B):c.1120_1121del (p.Lys374fs)

Gene: IDH3B (isocitrate dehydrogenase (NAD(+)) 3 non-catalytic subunit beta; minus strand). Cytogenetic location: 20p13.
Variant type: Deletion.
Coding change: c.1120_1121del on transcript NM_006899.5 (MANE Select); coding-DNA positions 1120 to 1121, 2 bases deleted (AA; older notation c.1120_1121delAA).
Protein change: p.Lys374fs; shifts the reading frame from lysine 374.
Molecular consequence: frameshift variant. On other transcripts: non-coding transcript variant (1), intron variant (1).
Genome position (GRCh38, 1-based): chr20:2,658,788-2,658,789, TT deleted on the plus strand (AA on the coding strand, the reverse complement: IDH3B is on the minus strand). VCF-style (leftmost placement, unchanged base first): chr20-2658787-CTT-C. GRCh37 (hg19) VCF-style: chr20-2639433-CTT-C.
Other names: c.1120_1121del, p.Lys374fs (NM_001330763.2); c.1072-267_1072-266del (NM_174855.4); short protein forms K374fs.
Identifiers: ClinVar variation 1916484 (VCV001916484.5), dbSNP rs757107227, ClinGen allele CA9735043.